The following is an entry in ClinVar:

ClinVar aggregate classification (germline): Pathogenic/Likely pathogenic. Review status: criteria provided, multiple submitters, no conflicts (2 of 4 stars). 6 submissions from 6 submitters: Pathogenic (4); Likely pathogenic (2). Last evaluated 2025-12-15.

Conditions:
3-methylcrotonyl-CoA carboxylase 1 deficiency (MCC1D). Also called: MCCD TYPE 1; METHYLCROTONYLGLYCINURIA TYPE I; MCC 1 deficiency; 3 Alpha methylcrotonylglycinuria 1. Identifiers: Orphanet 6, MedGen CN028786, MONDO:0008861, OMIM 210200.

Allele frequency attached by ClinVar (database versions not stated): gnomAD exomes 0.00001; TOPMed 0.00001; gnomAD 0.00002.
gnomAD v4.1: 13 of 1,614,064 alleles (0.00081%); highest among the groups gnomAD compares: Non-Finnish European, 0.0011%; no homozygotes.

Submissions (6):

Natera, Inc.
Classification: Pathogenic for 3-methylcrotonyl-CoA carboxylase 1 deficiency. Last evaluated: 2025-12-15. Review status: criteria provided, single submitter. Criteria: Natera Variant Classification Schema (03/2026). Collection method: clinical testing. Allele origin: germline.
Comment: The c.137-2A>G variant in MCCC1 is a canonical splice acceptor site variant predicted to affect pre-mRNA splicing, which may result in an abnormal transcript and altered protein product. This variant is expected to result in nonsense mediated decay, truncation, or a dysfunctional protein product. This variant is rare in the general population with a frequency below the threshold expected for the associated phenotype(s). This variant has been observed in one or more individuals affected with the associated recessive disease, as either homozygous or compound heterozygous with a second variant (PMID: 16835865, 30626930). Given the available evidence, this variant is classified as Pathogenic.

Labcorp Genetics (formerly Invitae), Labcorp
Classification: Likely pathogenic for 3-methylcrotonyl-CoA carboxylase 1 deficiency. Last evaluated: 2025-03-03. Review status: criteria provided, single submitter. Criteria: Invitae Variant Classification Sherloc (09022015). Collection method: clinical testing. Allele origin: germline.
Comment: This sequence change affects an acceptor splice site in intron 2 of the MCCC1 gene. It is expected to disrupt RNA splicing. Variants that disrupt the donor or acceptor splice site typically lead to a loss of protein function (PMID: 16199547), and loss-of-function variants in MCCC1 are known to be pathogenic (PMID: 11181649, 15359379, 22642865). This variant is not present in population databases (gnomAD no frequency). Disruption of this splice site has been observed in individual(s) with clinical features of 3-methylcrotonyl-CoA carboxylase deficiency (PMID: 16835865, 22264772). ClinVar contains an entry for this variant (Variation ID: 167274). Algorithms developed to predict the effect of sequence changes on RNA splicing suggest that this variant may disrupt the consensus splice site. In summary, the currently available evidence indicates that the variant is pathogenic, but additional data are needed to prove that conclusively. Therefore, this variant has been classified as Likely Pathogenic.

Fulgent Genetics
Classification: Likely pathogenic for 3-methylcrotonyl-CoA carboxylase 1 deficiency. Last evaluated: 2024-01-15. Review status: criteria provided, single submitter. Criteria: ACMG Guidelines, 2015. Collection method: clinical testing. Allele origin: germline.

Baylor Genetics
Classification: Pathogenic for 3-methylcrotonyl-CoA carboxylase 1 deficiency. Last evaluated: 2023-12-22. Review status: criteria provided, single submitter. Criteria: ACMG Guidelines, 2015. Collection method: clinical testing. Allele origin: unknown.

GeneDx
Classification: Pathogenic. Last evaluated: 2017-12-06. Review status: criteria provided, single submitter. Criteria: GeneDx Variant Classification (06012015). Collection method: clinical testing. Allele origin: germline. Affected: yes.
Comment: The c.137-2 A>G splice site variant in the MCCC1 gene has been previously reported as homozygous in an asymptomatic individual with 3-methylcrotonyl-CoA carboxylase (3-MCC) deficiency (Stadler et al., 2006). It has also been reported in an assymptomatic infant with positive newborn screening for 3-MCC deficiency in whom a second variant was not identified by sequencing (Morscher et al., 2012). This pathogenic variant destroys the canonical splice acceptor site in intron 2, and is expected to cause abnormal gene splicing. The c.137-2 A>G variant is not observed in large population cohorts (Lek et al., 2016). In summary, we interpret c.137-2 A>G to be a pathogenic variant.

Eurofins Ntd Llc (ga)
Classification: Pathogenic. Last evaluated: 2013-11-21. Review status: criteria provided, single submitter. Criteria: EGL Classification Definitions. Collection method: clinical testing. Allele origin: germline. Observed: 1 variant allele, 1 heterozygote.

Literature cited by the submitters: PubMed 16835865 (cited by Natera, Inc. and Labcorp Genetics (formerly Invitae), Labcorp); PubMed 30626930 (cited by Natera, Inc.); PubMed 16199547 (cited by Labcorp Genetics (formerly Invitae), Labcorp); PubMed 11181649 (cited by Labcorp Genetics (formerly Invitae), Labcorp); PubMed 15359379 (cited by Labcorp Genetics (formerly Invitae), Labcorp); PubMed 22642865 (cited by Labcorp Genetics (formerly Invitae), Labcorp); PubMed 22264772 (cited by Labcorp Genetics (formerly Invitae), Labcorp).

NM_020166.5(MCCC1):c.137-2A>G

Gene: MCCC1 (methylcrotonyl-CoA carboxylase subunit 1; minus strand). Cytogenetic location: 3q27.1.
Variant type: single nucleotide variant.
Coding change: c.137-2A>G on transcript NM_020166.5 (MANE Select); the canonical splice acceptor site of the intron before coding-DNA position 137, A replaced by G.
Molecular consequence: splice acceptor variant. On other transcripts: intron variant (2).
Genome position (GRCh38, 1-based): chr3:183,092,547, T>C on the plus strand (A>G on the coding strand, the complement: MCCC1 is on the minus strand). VCF-style: chr3-183092547-T-C. GRCh37 (hg19) VCF-style: chr3-182810335-T-C.
Other names: c.137-2A>G (NM_020166.4); c.-55+2012A>G (NM_001363880.1); c.44+2012A>G (NM_001293273.2).
Identifiers: ClinVar variation 167274 (VCV000167274.18), dbSNP rs727504006, ClinGen allele CA234242.